The following is an entry in ClinVar:

ClinVar aggregate classification (germline): Conflicting classifications of pathogenicity. Review status: criteria provided, conflicting classifications (1 of 4 stars). 2 submissions from 2 submitters: Likely pathogenic (1); Uncertain significance (1). Last evaluated 2024-09-04.

Conditions:
Male infertility with spermatogenesis disorder. Identifiers: Orphanet 399775, MedGen C5681167, MONDO:0018391.

Allele frequency attached by ClinVar (database versions not stated): ExAC 0.00004; gnomAD 0.00006; TOPMed 0.00010.
gnomAD v4.1: 32 of 1,613,114 alleles (0.002%); highest among the groups gnomAD compares: African/African-American, 0.019%; no homozygotes.

Submissions (2):

GeneDx
Classification: Uncertain significance. Last evaluated: 2024-09-04. Review status: criteria provided, single submitter. Criteria: GeneDx Variant Classification Process June 2021. Collection method: clinical testing. Allele origin: germline. Affected: yes.
Comment: In silico analysis supports that this missense variant has a deleterious effect on protein structure/function; This variant is associated with the following publications: (PMID: 38614076)

Laan Lab, Human Genetics Research Group, University of Tartu
Classification: Likely pathogenic for Male infertility with spermatogenesis disorder. Last evaluated: 2023-09-01. Review status: criteria provided, single submitter. Criteria: ACMG Guidelines, 2015. Collection method: research. Allele origin: germline. Inheritance: Oligogenic inheritance. Affected: yes. Observed: 1 heterozygote.

Literature cited by the submitters: DOI 10.1016/j.ajhg.2024.03.013 (cited by Laan Lab, Human Genetics Research Group, University of Tartu).

NM_032656.4(DHX37):c.1156G>A (p.Gly386Ser)

Gene: DHX37 (DEAH-box helicase 37; minus strand). Cytogenetic location: 12q24.31.
Variant type: single nucleotide variant.
Coding change: c.1156G>A on transcript NM_032656.4 (MANE Select); coding-DNA position 1156, G replaced by A.
Protein change: p.Gly386Ser; replaces glycine 386 with serine.
Molecular consequence: missense variant.
Genome position (GRCh38, 1-based): chr12:124,971,337, C>T on the plus strand (G>A on the coding strand, the complement: DHX37 is on the minus strand). VCF-style: chr12-124971337-C-T. GRCh37 (hg19) VCF-style: chr12-125455883-C-T.
Other names: c.1156G>A (NM_032656.3); short protein forms G386S.
Identifiers: ClinVar variation 2690975 (VCV002690975.3), dbSNP rs780020505, ClinGen allele CA6872194.